The following is an entry in ClinVar:

ClinVar aggregate classification (germline): Pathogenic (1 of 4 stars; one submission).

Conditions:
Supravalvar aortic stenosis (SVAS). Also called: Supravalvar aortic stenosis, Eisenberg type. Identifiers: Orphanet 3193, MedGen C0003499, MONDO:0008504, OMIM 185500, HP:0004381.

Submission:

Labcorp Genetics (formerly Invitae), Labcorp
Classification: Pathogenic for Supravalvar aortic stenosis. Last evaluated: 2023-01-12. Review status: criteria provided, single submitter. Criteria: Invitae Variant Classification Sherloc (09022015). Collection method: clinical testing. Allele origin: germline.
Comment: This sequence change creates a premature translational stop signal (p.Phe407Leufs*86) in the ELN gene. It is expected to result in an absent or disrupted protein product. Loss-of-function variants in ELN are known to be pathogenic (PMID: 11175284). This variant is not present in population databases (gnomAD no frequency). This variant has not been reported in the literature in individuals affected with ELN-related conditions. For these reasons, this variant has been classified as Pathogenic.

Literature cited by the submitters: PubMed 11175284.

NM_000501.4(ELN):c.1217dup (p.Phe407fs)

Gene: ELN (elastin; plus strand). Cytogenetic location: 7q11.23.
Variant type: Duplication.
Coding change: c.1217dup on transcript NM_000501.4 (MANE Select); coding-DNA position 1217, one base duplicated (G; older notation c.1217dupG).
Protein change: p.Phe407fs; shifts the reading frame from phenylalanine 407.
Molecular consequence: frameshift variant.
Genome position (GRCh38, 1-based): chr7:74,056,337, G duplicated; the last of 2 consecutive G bases (chr7:74,056,336-74,056,337); duplicating either gives the same sequence. VCF-style (leftmost placement, unchanged base first): chr7-74056335-C-CG. GRCh37 (hg19) VCF-style: chr7-73470665-C-CG.
Other names: c.1187dup, p.Phe397fs (NM_001081752.3, NM_001278917.2); c.1232dup, p.Phe412fs (NM_001081753.3, NM_001081754.3); c.1217dup, p.Phe407fs (NM_001081755.3, NM_001278912.2, NM_001278915.2 and 1 more transcripts); c.1109dup, p.Phe371fs (NM_001278913.2); c.1202dup, p.Phe402fs (NM_001278914.2); c.1175dup, p.Phe393fs (NM_001278916.2); c.1085dup, p.Phe363fs (NM_001278918.2); short protein forms F363fs, F371fs, F407fs, F412fs, F393fs, F397fs, F402fs.
Identifiers: ClinVar variation 2811144 (VCV002811144.3), dbSNP rs2486022848, ClinGen allele CA2739266467.